The following is an entry in ClinVar:

NM_001458.5(FLNC):c.385C>G (p.Leu129Val)

Gene: FLNC (filamin C; plus strand). Cytogenetic location: 7q32.1.
Variant type: single nucleotide variant.
Coding change: c.385C>G on transcript NM_001458.5 (MANE Select); coding-DNA position 385, C replaced by G.
Protein change: p.Leu129Val; replaces leucine 129 with valine.
Molecular consequence: missense variant.
Genome position (GRCh38, 1-based): chr7:128,835,358, C>G. VCF-style: chr7-128835358-C-G. GRCh37 (hg19) VCF-style: chr7-128475412-C-G.
Other names: c.385C>G, p.Leu129Val (NM_001127487.2); short protein forms L129V.
Identifiers: ClinVar variation 2099277 (VCV002099277.4), dbSNP rs2536614458, ClinGen allele CA369218715.

ClinVar aggregate classification (germline): Uncertain significance (1 of 4 stars; one submission).

Conditions:
Myofibrillar myopathy 5. Also called: Filaminopathy (type); FILAMINOPATHY, AUTOSOMAL DOMINANT. Identifiers: Orphanet 171445, MedGen C1836050, MONDO:0012289, OMIM 609524.
Distal myopathy with posterior leg and anterior hand involvement. Also called: WILLIAMS DISTAL MYOPATHY. Identifiers: Orphanet 63273, MedGen C3279722, MONDO:0013550, OMIM 614065.
Hypertrophic cardiomyopathy 26. Also called: Cardiomyopathy, familial hypertrophic, 26. Identifiers: Orphanet 75249, MedGen C4310749, MONDO:0014883, OMIM 617047.

Submission:

Labcorp Genetics (formerly Invitae), Labcorp
Classification: Uncertain significance for Distal myopathy with posterior leg and anterior hand involvement; Myofibrillar myopathy 5; Hypertrophic cardiomyopathy 26. Last evaluated: 2022-02-19. Review status: criteria provided, single submitter. Criteria: Invitae Variant Classification Sherloc (09022015). Collection method: clinical testing. Allele origin: germline.
Comment: In summary, the available evidence is currently insufficient to determine the role of this variant in disease. Therefore, it has been classified as a Variant of Uncertain Significance. Algorithms developed to predict the effect of missense changes on protein structure and function are either unavailable or do not agree on the potential impact of this missense change (SIFT: "Deleterious"; PolyPhen-2: "Probably Damaging"; Align-GVGD: "Class C0"). This variant has not been reported in the literature in individuals affected with FLNC-related conditions. This variant is not present in population databases (gnomAD no frequency). This sequence change replaces leucine, which is neutral and non-polar, with valine, which is neutral and non-polar, at codon 129 of the FLNC protein (p.Leu129Val).